The following is an entry in ClinVar:

NM_000426.4(LAMA2):c.8615G>A (p.Ser2872Asn)

Gene: LAMA2 (laminin subunit alpha 2; plus strand). Cytogenetic location: 6q22.33.
Variant type: single nucleotide variant.
Coding change: c.8615G>A on transcript NM_000426.4 (MANE Select); coding-DNA position 8615, G replaced by A.
Protein change: p.Ser2872Asn; replaces serine 2872 with asparagine.
Molecular consequence: missense variant.
Genome position (GRCh38, 1-based): chr6:129,505,267, G>A. VCF-style: chr6-129505267-G-A. GRCh37 (hg19) VCF-style: chr6-129826412-G-A.
Other names: c.8603G>A, p.Ser2868Asn (NM_001079823.2); short protein forms S2868N, S2872N.
Identifiers: ClinVar variation 1423026 (VCV001423026.6), dbSNP rs2114900675, ClinGen allele CA365634854.

ClinVar aggregate classification (germline): Uncertain significance (1 of 4 stars; one submission).

Conditions:
LAMA2-related muscular dystrophy (LAMA2-RD). Also called: Laminin alpha 2-related dystrophy. Identifiers: MedGen C5679788, MONDO:0100228.

Submission:

Labcorp Genetics (formerly Invitae), Labcorp
Classification: Uncertain significance for LAMA2-related muscular dystrophy. Last evaluated: 2021-08-30. Review status: criteria provided, single submitter. Criteria: Invitae Variant Classification Sherloc (09022015). Collection method: clinical testing. Allele origin: germline.
Comment: This sequence change replaces serine with asparagine at codon 2872 of the LAMA2 protein (p.Ser2872Asn). The serine residue is moderately conserved and there is a small physicochemical difference between serine and asparagine. This variant is not present in population databases (ExAC no frequency). This variant has not been reported in the literature in individuals affected with LAMA2-related conditions. Algorithms developed to predict the effect of missense changes on protein structure and function are either unavailable or do not agree on the potential impact of this missense change (SIFT: "Tolerated"; PolyPhen-2: "Probably Damaging"; Align-GVGD: "Class C0"). In summary, the available evidence is currently insufficient to determine the role of this variant in disease. Therefore, it has been classified as a Variant of Uncertain Significance.